The following is an entry in ClinVar:

ClinVar aggregate classification (germline): Uncertain significance. Review status: criteria provided, multiple submitters, no conflicts (2 of 4 stars). 2 submissions from 2 submitters: Uncertain significance (2). Last evaluated 2024-11-23.

Conditions:
Inborn genetic diseases. Identifiers: MedGen C0950123, MeSH D030342.
Mosaic variegated aneuploidy syndrome 2 (MVA2). Identifiers: Orphanet 1052, MedGen C3279843, MONDO:0013582, OMIM 614114.

gnomAD v4.1: 2 of 1,613,816 alleles (0.00012%); highest among the groups gnomAD compares: East Asian, 0.0045%; no homozygotes.

Submissions (2):

Ambry Genetics
Classification: Uncertain significance for Inborn genetic diseases. Last evaluated: 2024-11-23. Review status: criteria provided, single submitter. Criteria: Ambry Variant Classification Scheme 2023. Collection method: clinical testing. Allele origin: germline.
Comment: The p.M210L variant (also known as c.628A>T), located in coding exon 6 of the CEP57 gene, results from an A to T substitution at nucleotide position 628. The methionine at codon 210 is replaced by leucine, an amino acid with highly similar properties. This amino acid position is conserved. In addition, this alteration is predicted to be tolerated by in silico analysis. Based on the available evidence, the clinical significance of this variant remains unclear.

Labcorp Genetics (formerly Invitae), Labcorp
Classification: Uncertain significance for Mosaic variegated aneuploidy syndrome 2. Last evaluated: 2024-04-22. Review status: criteria provided, single submitter. Criteria: Invitae Variant Classification Sherloc (09022015). Collection method: clinical testing. Allele origin: germline.
Comment: This sequence change replaces methionine, which is neutral and non-polar, with leucine, which is neutral and non-polar, at codon 210 of the CEP57 protein (p.Met210Leu). This variant is present in population databases (no rsID available, gnomAD 0.006%). This variant has not been reported in the literature in individuals affected with CEP57-related conditions. ClinVar contains an entry for this variant (Variation ID: 1430500). Advanced modeling of protein sequence and biophysical properties (such as structural, functional, and spatial information, amino acid conservation, physicochemical variation, residue mobility, and thermodynamic stability) performed at Invitae indicates that this missense variant is not expected to disrupt CEP57 protein function with a negative predictive value of 80%. In summary, the available evidence is currently insufficient to determine the role of this variant in disease. Therefore, it has been classified as a Variant of Uncertain Significance.

NM_014679.5(CEP57):c.628A>T (p.Met210Leu)

Gene: CEP57 (centrosomal protein 57; plus strand). Cytogenetic location: 11q21.
Variant type: single nucleotide variant.
Coding change: c.628A>T on transcript NM_014679.5 (MANE Select); coding-DNA position 628, A replaced by T.
Protein change: p.Met210Leu; replaces methionine 210 with leucine.
Molecular consequence: missense variant.
Genome position (GRCh38, 1-based): chr11:95,818,833, A>T. VCF-style: chr11-95818833-A-T. GRCh37 (hg19) VCF-style: chr11-95551997-A-T.
Other names: c.601A>T, p.Met201Leu (NM_001243776.2); c.628A>T, p.Met210Leu (NM_001243777.2); c.547A>T, p.Met183Leu (NM_001363604.2); c.628A>T (NM_014679.4); short protein forms M201L, M210L, M183L.
Identifiers: ClinVar variation 1430500 (VCV001430500.9), dbSNP rs374700509, ClinGen allele CA226633153.